The following is an entry in ClinVar:

ClinVar aggregate classification (germline): Uncertain significance. Review status: criteria provided, multiple submitters, no conflicts (2 of 4 stars). 2 submissions from 2 submitters: Uncertain significance (2). Last evaluated 2024-06-04.

Conditions:
Inborn genetic diseases. Identifiers: MedGen C0950123, MeSH D030342.

Allele frequency attached by ClinVar (database versions not stated): TOPMed 0.00001; ExAC 0.00002; gnomAD exomes 0.00002 and 0.00003; ESP Exome Variant Server 0.00008.

Submissions (2):

Ambry Genetics
Classification: Uncertain significance for Inborn genetic diseases. Last evaluated: 2024-06-04. Review status: criteria provided, single submitter. Criteria: Ambry Variant Classification Scheme 2023. Collection method: clinical testing. Allele origin: germline.

Labcorp Genetics (formerly Invitae), Labcorp
Classification: Uncertain significance. Last evaluated: 2019-12-27. Review status: criteria provided, single submitter. Criteria: Invitae Variant Classification Sherloc (09022015). Collection method: clinical testing. Allele origin: germline.
Comment: In summary, the available evidence is currently insufficient to determine the role of this variant in disease. Therefore, it has been classified as a Variant of Uncertain Significance. Algorithms developed to predict the effect of missense changes on protein structure and function are either unavailable or do not agree on the potential impact of this missense change (SIFT: "Tolerated"; PolyPhen-2: "Probably Damaging"; Align-GVGD: "Class C0"). This variant has not been reported in the literature in individuals with HSPG2-related conditions. This variant is present in population databases (rs146258211, ExAC 0.003%). This sequence change replaces glutamic acid with lysine at codon 2450 of the HSPG2 protein (p.Glu2450Lys). The glutamic acid residue is weakly conserved and there is a small physicochemical difference between glutamic acid and lysine.

NM_005529.7(HSPG2):c.7348G>A (p.Glu2450Lys)

Gene: HSPG2 (heparan sulfate proteoglycan 2; minus strand). Cytogenetic location: 1p36.12.
Variant type: single nucleotide variant.
Coding change: c.7348G>A on transcript NM_005529.7 (MANE Select); coding-DNA position 7348, G replaced by A.
Protein change: p.Glu2450Lys; replaces glutamic acid 2450 with lysine.
Molecular consequence: missense variant.
Genome position (GRCh38, 1-based): chr1:21,850,139, C>T on the plus strand (G>A on the coding strand, the complement: HSPG2 is on the minus strand). VCF-style: chr1-21850139-C-T. GRCh37 (hg19) VCF-style: chr1-22176632-C-T.
Other names: c.7351G>A, p.Glu2451Lys (NM_001291860.2); c.7348G>A (NM_005529.5); short protein forms E2450K, E2451K.
Identifiers: ClinVar variation 841826 (VCV000841826.9), dbSNP rs146258211, ClinGen allele CA671218.